The following is an entry in ClinVar:

ClinVar aggregate classification (germline): Uncertain significance (1 of 4 stars; one submission).

Conditions:
Emery-Dreifuss muscular dystrophy 5, autosomal dominant (EDMD5). Also called: EMERY-DREIFUSS MUSCULAR DYSTROPHY 5. Identifiers: Orphanet 261, MedGen C2751805, MONDO:0013072, OMIM 612999.

Allele frequency attached by ClinVar (database versions not stated): gnomAD exomes below 0.00001; TOPMed below 0.00001.
gnomAD v4.1: 2 of 1,613,670 alleles (0.00012%); highest among the groups gnomAD compares: Non-Finnish European, 0.000085%; no homozygotes.

Submission:

Labcorp Genetics (formerly Invitae), Labcorp
Classification: Uncertain significance for Emery-Dreifuss muscular dystrophy 5, autosomal dominant. Last evaluated: 2022-06-19. Review status: criteria provided, single submitter. Criteria: Invitae Variant Classification Sherloc (09022015). Collection method: clinical testing. Allele origin: germline.
Comment: In summary, the available evidence is currently insufficient to determine the role of this variant in disease. Therefore, it has been classified as a Variant of Uncertain Significance. Algorithms developed to predict the effect of missense changes on protein structure and function are either unavailable or do not agree on the potential impact of this missense change (SIFT: "Tolerated"; PolyPhen-2: "Possibly Damaging"; Align-GVGD: "Class C0"). This variant has not been reported in the literature in individuals affected with SYNE2-related conditions. This variant is not present in population databases (gnomAD no frequency). This sequence change replaces lysine, which is basic and polar, with glutamic acid, which is acidic and polar, at codon 1567 of the SYNE2 protein (p.Lys1567Glu).

NM_182914.3(SYNE2):c.4699A>G (p.Lys1567Glu)

Gene: SYNE2 (spectrin repeat containing nuclear envelope protein 2; plus strand). Cytogenetic location: 14q23.2.
Variant type: single nucleotide variant.
Coding change: c.4699A>G on transcript NM_182914.3 (MANE Select); coding-DNA position 4699, A replaced by G.
Protein change: p.Lys1567Glu; replaces lysine 1567 with glutamic acid.
Molecular consequence: missense variant.
Genome position (GRCh38, 1-based): chr14:64,010,087, A>G. VCF-style: chr14-64010087-A-G. GRCh37 (hg19) VCF-style: chr14-64476805-A-G.
Other names: c.4699A>G, p.Lys1567Glu (NM_015180.6); short protein forms K1567E.
Identifiers: ClinVar variation 2127384 (VCV002127384.4), dbSNP rs2096831706, ClinGen allele CA389936339.